The following is an entry in ClinVar:

NM_020975.6(RET):c.3138_3139delinsTT (p.Pro1047Ser)

Gene: RET (ret proto-oncogene; plus strand). Cytogenetic location: 10q11.21.
Variant type: Indel.
Coding change: c.3138_3139delinsTT on transcript NM_020975.6 (MANE Select); coding-DNA positions 3138 to 3139, CC replaced by TT.
Protein change: p.Pro1047Ser; replaces proline 1047 with serine.
Molecular consequence: missense variant.
Genome position (GRCh38, 1-based): chr10:43,126,673-43,126,674, CC replaced by TT. VCF-style: chr10-43126673-CC-TT. GRCh37 (hg19) VCF-style: chr10-43622121-CC-TT.
Other names: c.3138_3139delCCinsTT, p.Pro1047Ser (NM_000323.2, NM_001406743.1, NM_001406744.1 and 3 more transcripts); c.2376_2377delCCinsTT, p.Pro793Ser (NM_001355216.2); c.3009_3010delCCinsTT, p.Pro1004Ser (NM_001406761.1, NM_001406762.1, NM_001406764.1); c.3003_3004delCCinsTT, p.Pro1002Ser (NM_001406763.1, NM_001406765.1); c.2850_2851delCCinsTT, p.Pro951Ser (NM_001406766.1, NM_001406767.1, NM_001406770.1); c.2874_2875delCCinsTT, p.Pro959Ser (NM_001406768.1); c.2742_2743delCCinsTT, p.Pro915Ser (NM_001406769.1, NM_001406772.1); c.2700_2701delCCinsTT, p.Pro901Ser (NM_001406771.1, NM_001406773.1); and 11 more; short protein forms P1047S, P793S, P1002S, P1004S, P705S, P901S, P951S, P959S.
Identifiers: ClinVar variation 1017129 (VCV001017129.12), dbSNP rs1838338388, ClinGen allele CA1905828851.

ClinVar aggregate classification (germline): Uncertain significance. Review status: criteria provided, multiple submitters, no conflicts (2 of 4 stars). 3 submissions from 3 submitters: Uncertain significance (3). Last evaluated 2024-07-15.

Conditions:
Hereditary cancer-predisposing syndrome. Also called: Tumor predisposition; Neoplastic Syndromes, Hereditary; Hereditary neoplastic syndrome; Hereditary Cancer Syndrome. Identifiers: Orphanet 140162, MedGen C0027672, MeSH D009386, MONDO:0015356.
Multiple endocrine neoplasia, type 2 (MEN2). Identifiers: Orphanet 653, MedGen C4048306, MONDO:0019003. Disease mechanism: gain of function.

Submissions (3):

Ambry Genetics
Classification: Uncertain significance for Hereditary cancer-predisposing syndrome. Last evaluated: 2024-07-15. Review status: criteria provided, single submitter. Criteria: Ambry Variant Classification Scheme 2023. Collection method: clinical testing. Allele origin: germline.
Comment: The c.3138_3139delCCinsTT variant (also known as p.P1047S), located in coding exon 19 of the RET gene, results from an in-frame deletion of CC and insertion of TT at nucleotide positions 3138 to 3139. This results in the substitution of the proline residue for a serine residue at codon 1047, an amino acid with similar properties. This amino acid position is highly conserved in available vertebrate species. In addition, the in silico prediction for this alteration is inconclusive (Choi Y et al. PLoS ONE. 2012; 7(10):e46688). Based on the available evidence, the clinical significance of this variant remains unclear.

Athena Diagnostics
Classification: Uncertain significance. Last evaluated: 2024-01-04. Review status: criteria provided, single submitter. Criteria: Athena Diagnostics Criteria. Collection method: clinical testing. Allele origin: unknown.

Labcorp Genetics (formerly Invitae), Labcorp
Classification: Uncertain significance for Multiple endocrine neoplasia, type 2. Last evaluated: 2023-11-21. Review status: criteria provided, single submitter. Criteria: Invitae Variant Classification Sherloc (09022015). Collection method: clinical testing. Allele origin: germline.
Comment: This sequence change replaces proline, which is neutral and non-polar, with serine, which is neutral and polar, at codon 1047 of the RET protein (p.Pro1047Ser). Information on the frequency of this variant in the gnomAD database is not available, as this variant may be reported differently in the database. This variant has not been reported in the literature in individuals affected with RET-related conditions. ClinVar contains an entry for this variant (Variation ID: 1017129). Algorithms developed to predict the effect of variants on protein structure and function are not available or were not evaluated for this variant. Experimental studies have shown that this missense change does not substantially affect RET function (PMID: 29665843). In summary, the available evidence is currently insufficient to determine the role of this variant in disease. Therefore, it has been classified as a Variant of Uncertain Significance.

Literature cited by the submitters: PubMed 29665843 (cited by Labcorp Genetics (formerly Invitae), Labcorp).